The following is an entry in ClinVar:

ClinVar aggregate classification (germline): Likely benign. Review status: criteria provided, multiple submitters, no conflicts (2 of 4 stars). 2 submissions from 2 submitters: Likely benign (2). Last evaluated 2026-04-01.

Conditions:
Osteogenesis imperfecta type I (OI1). Also called: OI, TYPE I; OSTEOGENESIS IMPERFECTA TARDA; OSTEOGENESIS IMPERFECTA WITH BLUE SCLERAE; Osteogenesis imperfecta type 1; Lobstein's Disease; Lobstein disease. Identifiers: Orphanet 216796, Orphanet 666, MedGen C0023931, MONDO:0008146, OMIM 166200. Disease mechanism: loss of function.

gnomAD v4.1: 2 of 1,613,904 alleles (0.00012%); highest among the groups gnomAD compares: Non-Finnish European, 0.00017%; no homozygotes.

Submissions (2):

Women's Health and Genetics/Laboratory Corporation of America, LabCorp
Classification: Likely benign. Last evaluated: 2026-04-01. Review status: criteria provided, single submitter. Criteria: LabCorp Variant Classification Summary - May 2015. Collection method: clinical testing. Allele origin: germline.
Comment: Variant summary: COL1A1 c.3046-16C>T alters a nucleotide located at a position not widely known to affect splicing. Consensus agreement among computation tools predict no significant impact on normal splicing. However, these predictions have yet to be confirmed by functional studies. The variant was absent in 251030 control chromosomes. The available data on variant occurrences in the general population are insufficient to allow any conclusion about variant significance. To our knowledge, no occurrence of c.3046-16C>T in individuals affected with COL1A1-related conditions and no experimental evidence demonstrating its impact on protein function have been reported. ClinVar contains an entry for this variant (Variation ID: 4700033). Based on the evidence outlined above, the variant was classified as likely benign.

Labcorp Genetics (formerly Invitae), Labcorp
Classification: Likely benign for Osteogenesis imperfecta type I. Last evaluated: 2025-11-28. Review status: criteria provided, single submitter. Criteria: Invitae Variant Classification Sherloc (09022015). Collection method: clinical testing. Allele origin: germline.

NM_000088.4(COL1A1):c.3046-16C>T

Gene: COL1A1 (collagen type I alpha 1 chain; minus strand). Cytogenetic location: 17q21.33.
Variant type: single nucleotide variant.
Coding change: c.3046-16C>T on transcript NM_000088.4 (MANE Select); 16 bases into the intron before coding-DNA position 3046, C replaced by T.
Molecular consequence: intron variant.
Genome position (GRCh38, 1-based): chr17:50,188,811, G>A on the plus strand (C>T on the coding strand, the complement: COL1A1 is on the minus strand). VCF-style: chr17-50188811-G-A. GRCh37 (hg19) VCF-style: chr17-48266172-G-A.
Identifiers: ClinVar variation 4700033 (VCV004700033.2).